The following is an entry in ClinVar:

NM_033026.6(PCLO):c.14174A>G (p.Asn4725Ser)

Gene: PCLO (piccolo presynaptic cytomatrix protein; minus strand). Cytogenetic location: 7q21.11.
Variant type: single nucleotide variant.
Coding change: c.14174A>G on transcript NM_033026.6 (MANE Select); coding-DNA position 14174, A replaced by G.
Protein change: p.Asn4725Ser; replaces asparagine 4725 with serine.
Molecular consequence: missense variant.
Genome position (GRCh38, 1-based): chr7:82,838,266, T>C on the plus strand (A>G on the coding strand, the complement: PCLO is on the minus strand). VCF-style: chr7-82838266-T-C. GRCh37 (hg19) VCF-style: chr7-82467582-T-C.
Other names: c.14174A>G, p.Asn4725Ser (NM_014510.3); short protein forms N4725S.
Identifiers: ClinVar variation 1520717 (VCV001520717.5), dbSNP rs768440811, ClinGen allele CA4318910.
Genomic context (GRCh38, chr7:82,838,266, plus strand): 5'-AATTTTACTTACCCTCTCCCTGGAAGAAGGTACACTTTCACAAAAGGGTCAGAATAACCA[T>C]TGTTGTCTCGAGGAACAAGATTTCTTGCTTGGAGAATATGTATTATGAGATTTCCAAGAT-3'
Protein context (NP_149015.2, residues 4715-4735): QARNLVPRDN[Asn4725Ser]GYSDPFVKVY

ClinVar aggregate classification (germline): Uncertain significance (1 of 4 stars; one submission).

Allele frequency attached by ClinVar (database versions not stated): gnomAD 0.00001; gnomAD exomes 0.00002 and 0.00003; TOPMed 0.00003; ExAC 0.00005.
gnomAD v4.1: 24 of 1,594,156 alleles (0.0015%); highest among the groups gnomAD compares: East Asian, 0.0045%; no homozygotes.

Submission:

Labcorp Genetics (formerly Invitae), Labcorp
Classification: Uncertain significance. Last evaluated: 2021-08-20. Review status: criteria provided, single submitter. Criteria: Invitae Variant Classification Sherloc (09022015). Collection method: clinical testing. Allele origin: germline.
Comment: This sequence change replaces asparagine with serine at codon 4725 of the PCLO protein (p.Asn4725Ser). The asparagine residue is moderately conserved and there is a small physicochemical difference between asparagine and serine. This variant is present in population databases (rs768440811, ExAC 0.02%). This variant has not been reported in the literature in individuals affected with PCLO-related conditions. Algorithms developed to predict the effect of missense changes on protein structure and function are either unavailable or do not agree on the potential impact of this missense change (SIFT: "Deleterious"; PolyPhen-2: "Not Available"; Align-GVGD: "Class C0"). In summary, the available evidence is currently insufficient to determine the role of this variant in disease. Therefore, it has been classified as a Variant of Uncertain Significance.